The following is an entry in ClinVar:

NM_000554.6(CRX):c.*366C>T

Gene: CRX (cone-rod homeobox; plus strand). Cytogenetic location: 19q13.33.
Variant type: single nucleotide variant.
Coding change: c.*366C>T on transcript NM_000554.6 (MANE Select); 366 bases downstream of the stop codon, C replaced by T.
Molecular consequence: 3 prime UTR variant.
Genome position (GRCh38, 1-based): chr19:47,840,333, C>T. VCF-style: chr19-47840333-C-T. GRCh37 (hg19) VCF-style: chr19-48343590-C-T.
Identifiers: ClinVar variation 893798 (VCV000893798.4), dbSNP rs560185740, ClinGen allele CA309213604.

ClinVar aggregate classification (germline): Conflicting classifications of pathogenicity. Review status: criteria provided, conflicting classifications (1 of 4 stars). 3 submissions from 1 submitter: Uncertain significance (1); Benign (1); Likely benign (1). Last evaluated 2018-01-12.

Conditions:
Leber congenital amaurosis 7 (LCA7). Identifiers: Orphanet 65, MedGen C3151192, MONDO:0013449, OMIM 613829.
Retinitis pigmentosa (RP). Identifiers: Orphanet 791, MedGen C0035334, MeSH D012174, MONDO:0019200, OMIM 268000. Inheritance: Autosomal dominant, autosomal recessive and X linked inheritance.
Cone-rod dystrophy 2 (CORD2). Also called: CONE-ROD RETINAL DYSTROPHY; Cone-rod retinal dystrophy 2. Identifiers: Orphanet 1872, MedGen C3489532, MONDO:0007362, OMIM 120970.

Allele frequency attached by ClinVar (database versions not stated): gnomAD 0.00002 and 0.00019; TOPMed 0.00003; 1000 Genomes Project 0.00140; 1000 Genomes Project 30x 0.00172.
gnomAD v4.1: 92 of 266,944 alleles (0.034%); highest among the groups gnomAD compares: South Asian, 0.4%; 1 homozygote.

Submissions (3):

Illumina Laboratory Services, Illumina
Classification: Benign for Cone-rod dystrophy 2. Last evaluated: 2018-01-12. Review status: criteria provided, single submitter. Criteria: ICSL Variant Classification Criteria 13 December 2019. Collection method: clinical testing. Allele origin: germline.
Comment: This variant was observed in the ICSL laboratory as part of a predisposition screen in an ostensibly healthy population. It had not been previously curated by ICSL or reported in the Human Gene Mutation Database (HGMD: prior to June 1st, 2018), and was therefore a candidate for classification through an automated scoring system. Utilizing variant allele frequency, disease prevalence and penetrance estimates, and inheritance mode, an automated score was calculated to assess if this variant is too frequent to cause the disease. Based on the score and internal cut-off values, a variant classified as benign is not then subjected to further curation. The score for this variant resulted in a classification of benign for this disease.

Illumina Laboratory Services, Illumina
Classification: Uncertain significance for Leber congenital amaurosis 7. Last evaluated: 2018-01-12. Review status: criteria provided, single submitter. Criteria: ICSL Variant Classification Criteria 13 December 2019. Collection method: clinical testing. Allele origin: germline.

Illumina Laboratory Services, Illumina
Classification: Likely benign for Retinitis pigmentosa. Last evaluated: 2018-01-12. Review status: criteria provided, single submitter. Criteria: ICSL Variant Classification Criteria 13 December 2019. Collection method: clinical testing. Allele origin: germline.
Comment: This variant was observed in the ICSL laboratory as part of a predisposition screen in an ostensibly healthy population. It had not been previously curated by ICSL or reported in the Human Gene Mutation Database (HGMD: prior to June 1st, 2018), and was therefore a candidate for classification through an automated scoring system. Utilizing variant allele frequency, disease prevalence and penetrance estimates, and inheritance mode, an automated score was calculated to assess if this variant is too frequent to cause the disease. Based on the score and internal cut-off values, a variant classified as likely benign is not then subjected to further curation. The score for this variant resulted in a classification of likely benign for this disease.